The following is an entry in ClinVar:

NM_001291867.2(NHS):c.4676G>C (p.Ser1559Thr)

Gene: NHS (NHS actin remodeling regulator; plus strand). Cytogenetic location: Xp22.13.
Variant type: single nucleotide variant.
Coding change: c.4676G>C on transcript NM_001291867.2 (MANE Select); coding-DNA position 4676, G replaced by C.
Protein change: p.Ser1559Thr; replaces serine 1559 with threonine.
Molecular consequence: missense variant.
Genome position (GRCh38, 1-based): chrX:17,732,184, G>C. VCF-style: chrX-17732184-G-C. GRCh37 (hg19) VCF-style: chrX-17750304-G-C.
Other names: c.4145G>C, p.Ser1382Thr (NM_001136024.4); c.4082G>C, p.Ser1361Thr (NM_001291868.2); c.4613G>C, p.Ser1538Thr (NM_198270.4); short protein forms S1382T, S1538T, S1559T, S1361T.
Identifiers: ClinVar variation 2188173 (VCV002188173.6), dbSNP rs1054247488, ClinGen allele CA326969150.

ClinVar aggregate classification (germline): Benign/Likely benign. Review status: criteria provided, multiple submitters, no conflicts (2 of 4 stars). 2 submissions from 2 submitters: Benign (1); Likely benign (1). Last evaluated 2026-06-01.

Conditions:
Nance-Horan syndrome (NHS). Identifiers: Orphanet 627, MedGen C0796085, MONDO:0010545, OMIM 302350.

Allele frequency attached by ClinVar (database versions not stated): gnomAD exomes 0.00001.
gnomAD v4.1: 4 of 1,211,965 alleles (0.00033%); highest among the groups gnomAD compares: Admixed American, 0.0043%; no homozygotes.

Submissions (2):

CeGaT Center for Human Genetics Tuebingen
Classification: Likely benign. Last evaluated: 2026-06-01. Review status: criteria provided, single submitter. Criteria: CeGaT Center For Human Genetics Tuebingen Variant Classification Criteria Version 2. Collection method: clinical testing. Allele origin: germline. Affected: yes. Observed: 1 variant allele.
Comment: NHS: BP4

Labcorp Genetics (formerly Invitae), Labcorp
Classification: Benign for Nance-Horan syndrome. Last evaluated: 2024-12-09. Review status: criteria provided, single submitter. Criteria: Invitae Variant Classification Sherloc (09022015). Collection method: clinical testing. Allele origin: germline.